The following is an entry in ClinVar:

ClinVar aggregate classification (germline): Conflicting classifications of pathogenicity. Review status: criteria provided, conflicting classifications (1 of 4 stars). 2 submissions from 2 submitters: Uncertain significance (1); Likely benign (1). Last evaluated 2026-01-02.

Conditions:
Hereditary cancer-predisposing syndrome. Also called: Tumor predisposition; Hereditary Cancer Syndrome; Hereditary neoplastic syndrome; Neoplastic Syndromes, Hereditary. Identifiers: Orphanet 140162, MedGen C0027672, MeSH D009386, MONDO:0015356.
Tumor predisposition syndrome 3 (TPDS3). Also called: Glioma susceptibility 9; LONG TELOMERE SYNDROME, POT1-RELATED; POT1 Tumor Predisposition; Melanoma, cutaneous malignant, susceptibility to, 10. Identifiers: Orphanet 618, MedGen C4014476, MONDO:0014368, OMIM 615848.

Allele frequency attached by ClinVar (database versions not stated): gnomAD exomes below 0.00001; ExAC 0.00001; gnomAD 0.00001; TOPMed 0.00003.
gnomAD v4.1: 5 of 1,613,808 alleles (0.00031%); highest among the groups gnomAD compares: African/African-American, 0.0027%; no homozygotes.

Submissions (2):

Labcorp Genetics (formerly Invitae), Labcorp
Classification: Uncertain significance for Tumor predisposition syndrome 3. Last evaluated: 2026-01-02. Review status: criteria provided, single submitter. Criteria: Invitae Variant Classification Sherloc (09022015). Collection method: clinical testing. Allele origin: germline.
Comment: This sequence change replaces isoleucine, which is neutral and non-polar, with threonine, which is neutral and polar, at codon 115 of the POT1 protein (p.Ile115Thr). The frequency data for this variant in the population databases is considered unreliable, as metrics indicate poor data quality at this position in the gnomAD database. This variant has not been reported in the literature in individuals affected with POT1-related conditions. ClinVar contains an entry for this variant (Variation ID: 837466). Invitae Evidence Modeling of protein sequence and biophysical properties (such as structural, functional, and spatial information, amino acid conservation, physicochemical variation, residue mobility, and thermodynamic stability) indicates that this missense variant is not expected to disrupt POT1 protein function with a negative predictive value of 80%. In summary, the available evidence is currently insufficient to determine the role of this variant in disease. Therefore, it has been classified as a Variant of Uncertain Significance.

Ambry Genetics
Classification: Likely benign for Hereditary cancer-predisposing syndrome. Last evaluated: 2024-01-29. Review status: criteria provided, single submitter. Criteria: Ambry Variant Classification Scheme 2023. Collection method: clinical testing. Allele origin: germline.

NM_015450.3(POT1):c.344T>C (p.Ile115Thr)

Gene: POT1 (protection of telomeres 1; minus strand). Cytogenetic location: 7q31.33.
Variant type: single nucleotide variant.
Coding change: c.344T>C on transcript NM_015450.3 (MANE Select); coding-DNA position 344, T replaced by C.
Protein change: p.Ile115Thr; replaces isoleucine 115 with threonine.
Molecular consequence: missense variant. On other transcripts: 5 prime UTR variant (1), non-coding transcript variant (3).
Genome position (GRCh38, 1-based): chr7:124,863,552, A>G on the plus strand (T>C on the coding strand, the complement: POT1 is on the minus strand). VCF-style: chr7-124863552-A-G. GRCh37 (hg19) VCF-style: chr7-124503606-A-G.
Other names: c.-50T>C (NM_001042594.2); short protein forms I115T.
Identifiers: ClinVar variation 837466 (VCV000837466.10), dbSNP rs749877603, ClinGen allele CA4465454.